The following is an entry in ClinVar:

NM_000053.4(ATP7B):c.1044C>G (p.Ser348=)

Gene: ATP7B (ATPase copper transporting beta; minus strand). Cytogenetic location: 13q14.3.
Variant type: single nucleotide variant.
Coding change: c.1044C>G on transcript NM_000053.4 (MANE Select); coding-DNA position 1044, C replaced by G.
Protein change: p.Ser348=; no amino-acid change (serine 348 retained).
Molecular consequence: synonymous variant. On other transcripts: intron variant (1).
Genome position (GRCh38, 1-based): chr13:51,974,176, G>C on the plus strand (C>G on the coding strand, the complement: ATP7B is on the minus strand). VCF-style: chr13-51974176-G-C. GRCh37 (hg19) VCF-style: chr13-52548312-G-C.
Other names: c.1044C>G, p.Ser348= (NM_001005918.3, NM_001330578.2, NM_001330579.2); c.803-92C>G (NM_001243182.2).
Identifiers: ClinVar variation 1116907 (VCV001116907.10), dbSNP rs1292320157, ClinGen allele CA484024802.

ClinVar aggregate classification (germline): Likely benign. Review status: criteria provided, multiple submitters, no conflicts (2 of 4 stars). 2 submissions from 2 submitters: Likely benign (2). Last evaluated 2025-02-17.

Conditions:
Wilson disease (WND). Also called: Wilson's disease. Identifiers: Orphanet 905, MedGen C0019202, MONDO:0010200, OMIM 277900. Disease mechanism: loss of function.

Allele frequency attached by ClinVar (database versions not stated): gnomAD exomes below 0.00001.
gnomAD v4.1: 3 of 1,517,206 alleles (0.0002%); highest among the groups gnomAD compares: Non-Finnish European, 0.00018%; no homozygotes.

Submissions (2):

Labcorp Genetics (formerly Invitae), Labcorp
Classification: Likely benign for Wilson disease. Last evaluated: 2025-02-17. Review status: criteria provided, single submitter. Criteria: Invitae Variant Classification Sherloc (09022015). Collection method: clinical testing. Allele origin: germline.

All of Us Research Program, National Institutes of Health
Classification: Likely benign for Wilson disease. Last evaluated: 2023-12-01. Review status: criteria provided, single submitter. Criteria: ACMG Guidelines, 2015. Collection method: clinical testing. Allele origin: germline. Inheritance: Autosomal recessive inheritance. Observed: 2 variant alleles, 2 heterozygotes.
Comment: This study involves interpretation of variants in research participants for the purpose of population health screening. Participant phenotype was not available at the time of variant classification. Additional details can be found in publication PMID: 35346344, PMCID: PMC8962531